The following is an entry in ClinVar:

ClinVar aggregate classification (germline): Uncertain significance (1 of 4 stars; one submission).

Allele frequency attached by ClinVar (database versions not stated): gnomAD exomes below 0.00001.
gnomAD v4.1: 4 of 1,613,544 alleles (0.00025%); highest among the groups gnomAD compares: South Asian, 0.0033%; no homozygotes.

Submission:

Labcorp Genetics (formerly Invitae), Labcorp
Classification: Uncertain significance. Last evaluated: 2021-08-09. Review status: criteria provided, single submitter. Criteria: Invitae Variant Classification Sherloc (09022015). Collection method: clinical testing. Allele origin: germline.
Comment: Algorithms developed to predict the effect of missense changes on protein structure and function output the following: SIFT: "Tolerated"; PolyPhen-2: "Benign"; Align-GVGD: "Class C0". The serine amino acid residue is found in multiple mammalian species, which suggests that this missense change does not adversely affect protein function. This variant has not been reported in the literature in individuals affected with BACH2-related conditions. This variant is not present in population databases (ExAC no frequency). This sequence change replaces asparagine with serine at codon 765 of the BACH2 protein (p.Asn765Ser). The asparagine residue is weakly conserved and there is a small physicochemical difference between asparagine and serine. In summary, the available evidence is currently insufficient to determine the role of this variant in disease. Therefore, it has been classified as a Variant of Uncertain Significance.

NM_021813.4(BACH2):c.2294A>G (p.Asn765Ser)

Gene: BACH2 (BACH transcriptional regulator 2; minus strand). Cytogenetic location: 6q15.
Variant type: single nucleotide variant.
Coding change: c.2294A>G on transcript NM_021813.4 (MANE Select); coding-DNA position 2294, A replaced by G.
Protein change: p.Asn765Ser; replaces asparagine 765 with serine.
Molecular consequence: missense variant.
Genome position (GRCh38, 1-based): chr6:89,932,640, T>C on the plus strand (A>G on the coding strand, the complement: BACH2 is on the minus strand). VCF-style: chr6-89932640-T-C. GRCh37 (hg19) VCF-style: chr6-90642359-T-C.
Other names: c.2294A>G, p.Asn765Ser (NM_001170794.2); short protein forms N765S.
Identifiers: ClinVar variation 1473459 (VCV001473459.6), dbSNP rs1345733130, ClinGen allele CA365027232.